The following is an entry in ClinVar:

ClinVar aggregate classification (germline): Likely pathogenic. Review status: criteria provided, multiple submitters, no conflicts (2 of 4 stars). 3 submissions from 3 submitters: Likely pathogenic (3). Last evaluated 2026-05-19.

Conditions:
Nephronophthisis 15 (NPHP15). Identifiers: Orphanet 3156, MedGen C3541853, MONDO:0013917, OMIM 614845.
CEP164-related disorder. Also called: CEP164-related condition.

Allele frequency attached by ClinVar (database versions not stated): ExAC 0.00002; gnomAD 0.00002; 1000 Genomes Project 30x 0.00031.
gnomAD v4.1: 7 of 1,612,338 alleles (0.00043%); highest among the groups gnomAD compares: East Asian, 0.013%; no homozygotes.

Submissions (3):

PreventionGenetics, part of Exact Sciences
Classification: Likely pathogenic for CEP164-related condition. Last evaluated: 2026-05-19. Review status: criteria provided, single submitter. Criteria: ACMG Guidelines, 2015. Collection method: clinical testing. Allele origin: germline.
Comment: The CEP164 c.3748+2T>C variant is predicted to disrupt the GT donor site and interfere with normal splicing. This variant has not been reported in the literature in individuals with CEP164-related disorders. This variant is reported in 0.020% of alleles in individuals of East Asian descent in gnomAD. Variants that disrupt the consensus splice donor site in CEP164 are expected to be pathogenic. This variant is interpreted as likely pathogenic.

Labcorp Genetics (formerly Invitae), Labcorp
Classification: Likely pathogenic for Nephronophthisis 15. Last evaluated: 2025-03-18. Review status: criteria provided, single submitter. Criteria: Invitae Variant Classification Sherloc (09022015). Collection method: clinical testing. Allele origin: germline.
Comment: This sequence change affects a donor splice site in intron 29 of the CEP164 gene. It is expected to disrupt RNA splicing. Variants that disrupt the donor or acceptor splice site typically lead to a loss of protein function (PMID: 16199547), and loss-of-function variants in CEP164 are known to be pathogenic (PMID: 22863007, 28125082, 32367404, 34132027, 34499853). This variant is present in population databases (rs200223232, gnomAD 0.02%). This variant has not been reported in the literature in individuals affected with CEP164-related conditions. ClinVar contains an entry for this variant (Variation ID: 2139914). Algorithms developed to predict the effect of sequence changes on RNA splicing suggest that this variant may disrupt the consensus splice site. In summary, the currently available evidence indicates that the variant is pathogenic, but additional data are needed to prove that conclusively. Therefore, this variant has been classified as Likely Pathogenic.

Blueprint Genetics
Classification: Likely pathogenic for CEP164-related disorders. Last evaluated: 2022-07-12. Review status: criteria provided, single submitter. Criteria: ACMG Guidelines, 2015. Collection method: clinical testing. Allele origin: germline. Affected: yes. Observed: 4 variant alleles.

Literature cited by the submitters: PubMed 16199547 (cited by Labcorp Genetics (formerly Invitae), Labcorp); PubMed 22863007 (cited by Labcorp Genetics (formerly Invitae), Labcorp); PubMed 28125082 (cited by Labcorp Genetics (formerly Invitae), Labcorp); PubMed 32367404 (cited by Labcorp Genetics (formerly Invitae), Labcorp); PubMed 34132027 (cited by Labcorp Genetics (formerly Invitae), Labcorp); PubMed 34499853 (cited by Labcorp Genetics (formerly Invitae), Labcorp).

NM_014956.5(CEP164):c.3748+2T>C

Gene: CEP164 (centrosomal protein 164; plus strand). Cytogenetic location: 11q23.3.
Variant type: single nucleotide variant.
Coding change: c.3748+2T>C on transcript NM_014956.5 (MANE Select); the canonical splice donor site of the intron after coding-DNA position 3748, T replaced by C.
Molecular consequence: splice donor variant. On other transcripts: intron variant (1).
Genome position (GRCh38, 1-based): chr11:117,409,030, T>C. VCF-style: chr11-117409030-T-C. GRCh37 (hg19) VCF-style: chr11-117279746-T-C.
Other names: c.3733+26T>C (NM_001271933.2); c.3748+2T>C (NM_014956.4).
Identifiers: ClinVar variation 2139914 (VCV002139914.6), dbSNP rs200223232, ClinGen allele CA6295550.